The following is an entry in ClinVar:

NM_006767.4(LZTR1):c.228_229insG (p.Lys77fs)

Gene: LZTR1 (leucine zipper like post translational regulator 1; plus strand). Cytogenetic location: 22q11.21.
Variant type: Insertion.
Coding change: c.228_229insG on transcript NM_006767.4 (MANE Select); coding-DNA positions 228 to 229, G inserted.
Protein change: p.Lys77fs; shifts the reading frame from lysine 77.
Molecular consequence: frameshift variant.
Genome position: GRCh38 VCF-style: chr22-20983054-T-TG. GRCh37 (hg19) VCF-style: chr22-21337343-T-TG.
Other names: short protein forms K77fs.
Identifiers: ClinVar variation 5023769 (VCV005023769.1).

ClinVar aggregate classification (germline): Pathogenic (1 of 4 stars; one submission).

Conditions:
Cardiovascular phenotype. Identifiers: MedGen CN230736.
Hereditary cancer-predisposing syndrome. Also called: Neoplastic Syndromes, Hereditary; Tumor predisposition; Hereditary neoplastic syndrome; Hereditary Cancer Syndrome. Identifiers: Orphanet 140162, MedGen C0027672, MeSH D009386, MONDO:0015356.

Submission:

Ambry Genetics
Classification: Pathogenic for Cardiovascular phenotype; Hereditary cancer-predisposing syndrome. Last evaluated: 2026-07-16. Review status: criteria provided, single submitter. Criteria: Ambry Variant Classification Scheme 2023. Collection method: clinical testing. Allele origin: germline.
Comment: The c.228_229insG pathogenic mutation, located in coding exon 2 of the LZTR1 gene, results from an insertion of one nucleotide at position 228, causing a translational frameshift with a predicted alternate stop codon (p.K77Efs*18). This variant is considered to be rare based on population cohorts in the Genome Aggregation Database (gnomAD). This alteration is expected to result in loss of function by premature protein truncation or nonsense-mediated mRNA decay. Loss-of-function variants in LZTR1 are related to an increased risk for schwannomas and autosomal recessive Noonan syndrome; however, such associations with autosomal dominant Noonan syndrome have not been observed (Piotrowski A et al. Nat Genet. 2014 Feb;46:182-7; Yamamoto GL et al. J Med Genet. 2015 Jun;52:413-21; Johnston JJ et al. Genet Med. 2018 10;20:1175-1185). Based on the supporting evidence, this variant is pathogenic for an increased risk of LZTR1-related schwannomatosis (SWN) and would be expected to cause autosomal recessive Noonan syndrome when present along with a second pathogenic or likely pathogenic variant on the other allele; however, the association of this variant with autosomal dominant Noonan syndrome is unlikely.